The following is an entry in ClinVar:

ClinVar aggregate classification (germline): Uncertain significance. Review status: criteria provided, multiple submitters, no conflicts (2 of 4 stars). 3 submissions from 3 submitters: Uncertain significance (3). Last evaluated 2024-03-31.

Conditions:
Hereditary nonpolyposis colorectal neoplasms. Identifiers: MedGen C0009405, MeSH D003123.
Hereditary cancer-predisposing syndrome. Also called: Neoplastic Syndromes, Hereditary; Tumor predisposition; Hereditary Cancer Syndrome; Hereditary neoplastic syndrome. Identifiers: Orphanet 140162, MedGen C0027672, MeSH D009386, MONDO:0015356.

Submissions (3):

Color Diagnostics, LLC DBA Color Health
Classification: Uncertain significance for Hereditary cancer-predisposing syndrome. Last evaluated: 2024-03-31. Review status: criteria provided, single submitter. Criteria: ACMG Guidelines, 2015. Collection method: clinical testing. Allele origin: germline.
Comment: This missense variant replaces isoleucine with threonine at codon 1019 of the MSH6 protein. Computational prediction suggests that this variant may not impact protein structure and function (internally defined REVEL score threshold <= 0.5, PMID: 27666373). To our knowledge, functional studies have not been reported for this variant. This variant has not been reported in individuals affected with MSH6-related disorders in the literature. This variant has not been identified in the general population by the Genome Aggregation Database (gnomAD). The available evidence is insufficient to determine the role of this variant in disease conclusively. Therefore, this variant is classified as a Variant of Uncertain Significance.

Labcorp Genetics (formerly Invitae), Labcorp
Classification: Uncertain significance for Hereditary nonpolyposis colorectal neoplasms. Last evaluated: 2023-06-30. Review status: criteria provided, single submitter. Criteria: Invitae Variant Classification Sherloc (09022015). Collection method: clinical testing. Allele origin: germline.
Comment: This sequence change replaces isoleucine, which is neutral and non-polar, with threonine, which is neutral and polar, at codon 1019 of the MSH6 protein (p.Ile1019Thr). In summary, the available evidence is currently insufficient to determine the role of this variant in disease. Therefore, it has been classified as a Variant of Uncertain Significance. Advanced modeling of protein sequence and biophysical properties (such as structural, functional, and spatial information, amino acid conservation, physicochemical variation, residue mobility, and thermodynamic stability) performed at Invitae indicates that this missense variant is not expected to disrupt MSH6 protein function. ClinVar contains an entry for this variant (Variation ID: 1799307). This variant has not been reported in the literature in individuals affected with MSH6-related conditions. This variant is not present in population databases (gnomAD no frequency).

Ambry Genetics
Classification: Uncertain significance for Hereditary cancer-predisposing syndrome. Last evaluated: 2022-03-25. Review status: criteria provided, single submitter. Criteria: Ambry Variant Classification Scheme 2023. Collection method: clinical testing. Allele origin: germline.
Comment: The p.I1019T variant (also known as c.3056T>C), located in coding exon 4 of the MSH6 gene, results from a T to C substitution at nucleotide position 3056. The isoleucine at codon 1019 is replaced by threonine, an amino acid with similar properties. This amino acid position is not well conserved in available vertebrate species. In addition, the in silico prediction for this alteration is inconclusive. Since supporting evidence is limited at this time, the clinical significance of this alteration remains unclear.

NM_000179.3(MSH6):c.3056T>C (p.Ile1019Thr)

Gene: MSH6 (mutS homolog 6; plus strand). Cytogenetic location: 2p16.3.
Variant type: single nucleotide variant.
Coding change: c.3056T>C on transcript NM_000179.3 (MANE Select); coding-DNA position 3056, T replaced by C.
Protein change: p.Ile1019Thr; replaces isoleucine 1019 with threonine.
Molecular consequence: missense variant.
Genome position (GRCh38, 1-based): chr2:47,801,039, T>C. VCF-style: chr2-47801039-T-C. GRCh37 (hg19) VCF-style: chr2-48028178-T-C.
Other names: c.2666T>C, p.Ile889Thr (NM_001281492.2); c.2150T>C, p.Ile717Thr (NM_001281493.2, NM_001281494.2, NM_001406811.1 and 6 more transcripts); c.3152T>C, p.Ile1051Thr (NM_001406795.1, NM_001406802.1); c.3056T>C, p.Ile1019Thr (NM_001406796.1, NM_001406798.1, NM_001406800.1 and 2 more transcripts); c.2759T>C, p.Ile920Thr (NM_001406797.1, NM_001406801.1, NM_001406805.1 and 10 more transcripts); c.2531T>C, p.Ile844Thr (NM_001406799.1, NM_001406806.1, NM_001406807.1); c.2978T>C, p.Ile993Thr (NM_001406804.1); c.3062T>C, p.Ile1021Thr (NM_001406813.1); and 2 more; short protein forms I334T, I1019T, I1021T, I844T, I1051T, I889T, I920T, I717T.
Identifiers: ClinVar variation 1799307 (VCV001799307.6), dbSNP rs2530710539, ClinGen allele CA346756514.